The following is an entry in ClinVar:

ClinVar aggregate classification (germline): Uncertain significance. Review status: criteria provided, multiple submitters, no conflicts (2 of 4 stars). 3 submissions from 3 submitters: Uncertain significance (3). Last evaluated 2025-03-20.

Conditions:
Epidermolysis bullosa simplex, Ogna type (EBS5A). Also called: Pidermolysis bullosa simplex 5A, Ogna type; EPIDERMOLYSIS BULLOSA SIMPLEX 5A, OGNA TYPE. Identifiers: Orphanet 79401, MedGen C0432317, MONDO:0007555, OMIM 131950.
Epidermolysis bullosa simplex 5C, with pyloric atresia (EBS5C). Also called: PLEC-Related Epidermolysis Bullosa with Pyloric Atresia; Epidermolysis bullosa simplex with pyloric atresia; PLEC1-Related Epidermolysis Bullosa with Pyloric Atresia. Identifiers: Orphanet 158684, MedGen C2677349, MONDO:0012807, OMIM 612138.
Autosomal recessive limb-girdle muscular dystrophy type 2Q (LGMDR17). Also called: MUSCULAR DYSTROPHY, LIMB-GIRDLE, AUTOSOMAL RECESSIVE 17. Identifiers: Orphanet 254361, MedGen C3150989, MONDO:0013390, OMIM 613723.
Epidermolysis bullosa simplex with nail dystrophy (EBS5D). Identifiers: MedGen C4225309, MONDO:0014661, OMIM 616487.
Epidermolysis bullosa simplex 5B, with muscular dystrophy (EBS5B). Also called: EPIDERMOLYSIS BULLOSA SIMPLEX AND LIMB-GIRDLE MUSCULAR DYSTROPHY; Epidermolysis bullosa simplex with muscular dystrophy. Identifiers: Orphanet 257, MedGen C2931072, MONDO:0009181, OMIM 226670.
Inborn genetic diseases. Identifiers: MedGen C0950123, MeSH D030342.

Allele frequency attached by ClinVar (database versions not stated): gnomAD 0.00003; gnomAD exomes 0.00004; TOPMed 0.00006.
gnomAD v4.1: 67 of 1,597,342 alleles (0.0042%); highest among the groups gnomAD compares: Middle Eastern, 0.016%; no homozygotes.

Submissions (3):

Labcorp Genetics (formerly Invitae), Labcorp
Classification: Uncertain significance for Autosomal recessive limb-girdle muscular dystrophy type 2Q; Epidermolysis bullosa simplex, Ogna type; Epidermolysis bullosa simplex with nail dystrophy; Epidermolysis bullosa simplex 5C, with pyloric atresia; Epidermolysis bullosa simplex 5B, with muscular dystrophy. Last evaluated: 2025-03-20. Review status: criteria provided, single submitter. Criteria: Invitae Variant Classification Sherloc (09022015). Collection method: clinical testing. Allele origin: germline.
Comment: This sequence change replaces alanine, which is neutral and non-polar, with valine, which is neutral and non-polar, at codon 1982 of the PLEC protein (p.Ala1982Val). The frequency data for this variant in the population databases is considered unreliable, as metrics indicate poor data quality at this position in the gnomAD database. This variant has not been reported in the literature in individuals affected with PLEC-related conditions. ClinVar contains an entry for this variant (Variation ID: 2023065). Experimental studies and prediction algorithms are not available or were not evaluated, and the functional significance of this variant is currently unknown. In summary, the available evidence is currently insufficient to determine the role of this variant in disease. Therefore, it has been classified as a Variant of Uncertain Significance.

Ambry Genetics
Classification: Uncertain significance for Inborn genetic diseases. Last evaluated: 2022-12-14. Review status: criteria provided, single submitter. Criteria: Ambry Variant Classification Scheme 2023. Collection method: clinical testing. Allele origin: germline.

Revvity Omics, Revvity
Classification: Uncertain significance. Last evaluated: 2020-02-12. Review status: criteria provided, single submitter. Criteria: ACMG Guidelines, 2015. Collection method: clinical testing. Allele origin: germline.

NM_201384.3(PLEC):c.5864C>T (p.Ala1955Val)

Gene: PLEC (plectin; minus strand). Cytogenetic location: 8q24.3.
Variant type: single nucleotide variant.
Coding change: c.5864C>T on transcript NM_201384.3 (MANE Select); coding-DNA position 5864, C replaced by T.
Protein change: p.Ala1955Val; replaces alanine 1955 with valine.
Molecular consequence: missense variant.
Genome position (GRCh38, 1-based): chr8:143,924,065, G>A on the plus strand (C>T on the coding strand, the complement: PLEC is on the minus strand). VCF-style: chr8-143924065-G-A. GRCh37 (hg19) VCF-style: chr8-144998233-G-A.
Other names: c.5945C>T, p.Ala1982Val (NM_000445.5); c.5822C>T, p.Ala1941Val (NM_201378.4); c.5798C>T, p.Ala1933Val (NM_201379.3); c.6275C>T, p.Ala2092Val (NM_201380.4); c.5768C>T, p.Ala1923Val (NM_201381.3); c.5864C>T, p.Ala1955Val (NM_201382.4); c.5876C>T, p.Ala1959Val (NM_201383.3); short protein forms A1933V, A1955V, A1982V, A1941V, A1959V, A2092V, A1923V.
Identifiers: ClinVar variation 2023065 (VCV002023065.7), dbSNP rs1015888204, ClinGen allele CA187615336.